The following is an entry in ClinVar:

ClinVar aggregate classification (germline): Uncertain significance (1 of 4 stars; one submission).

Allele frequency attached by ClinVar (database versions not stated): gnomAD exomes 0.00001; ExAC 0.00002.
gnomAD v4.1: 3 of 1,613,302 alleles (0.00019%); highest among the groups gnomAD compares: South Asian, 0.0033%; no homozygotes.

Submission:

Labcorp Genetics (formerly Invitae), Labcorp
Classification: Uncertain significance. Last evaluated: 2021-07-16. Review status: criteria provided, single submitter. Criteria: Invitae Variant Classification Sherloc (09022015). Collection method: clinical testing. Allele origin: germline.
Comment: In summary, the available evidence is currently insufficient to determine the role of this variant in disease. Therefore, it has been classified as a Variant of Uncertain Significance. Algorithms developed to predict the effect of missense changes on protein structure and function are either unavailable or do not agree on the potential impact of this missense change (SIFT: "Deleterious"; PolyPhen-2: "Possibly Damaging"; Align-GVGD: "Class C0"). This variant has not been reported in the literature in individuals affected with TUBGCP6-related conditions. This variant is present in population databases (rs752750569, ExAC 0.01%). This sequence change replaces glutamine with lysine at codon 1754 of the TUBGCP6 protein (p.Gln1754Lys). The glutamine residue is moderately conserved and there is a small physicochemical difference between glutamine and lysine.

NM_020461.4(TUBGCP6):c.5260C>A (p.Gln1754Lys)

Gene: TUBGCP6 (tubulin gamma complex component 6; minus strand). Cytogenetic location: 22q13.33.
Variant type: single nucleotide variant.
Coding change: c.5260C>A on transcript NM_020461.4 (MANE Select); coding-DNA position 5260, C replaced by A.
Protein change: p.Gln1754Lys; replaces glutamine 1754 with lysine.
Molecular consequence: missense variant.
Genome position (GRCh38, 1-based): chr22:50,218,026, G>T on the plus strand (C>A on the coding strand, the complement: TUBGCP6 is on the minus strand). VCF-style: chr22-50218026-G-T. GRCh37 (hg19) VCF-style: chr22-50656455-G-T.
Other names: short protein forms Q1754K.
Identifiers: ClinVar variation 1470459 (VCV001470459.8), dbSNP rs752750569, ClinGen allele CA10307106.